The following is an entry in ClinVar:

ClinVar aggregate classification (germline): Uncertain significance (1 of 4 stars; one submission).

gnomAD v4.1: 28 of 1,609,542 alleles (0.0017%); highest among the groups gnomAD compares: South Asian, 0.0022%; no homozygotes.

Submission:

GeneDx
Classification: Uncertain significance. Last evaluated: 2026-03-24. Review status: criteria provided, single submitter. Criteria: GeneDx Variant Classification Process June 2021. Collection method: clinical testing. Allele origin: germline.
Comment: Not observed at significant frequency in large population cohorts (gnomAD); In silico analysis supports that this missense variant has a deleterious effect on protein structure/function; Has not been previously published as pathogenic or benign to our knowledge

NM_033305.3(VPS13A):c.6002A>G (p.His2001Arg)

Gene: VPS13A (vacuolar protein sorting 13 homolog A; plus strand). Cytogenetic location: 9q21.2.
Variant type: single nucleotide variant.
Coding change: c.6002A>G on transcript NM_033305.3 (MANE Select); coding-DNA position 6002, A replaced by G.
Protein change: p.His2001Arg; replaces histidine 2001 with arginine.
Molecular consequence: missense variant.
Genome position (GRCh38, 1-based): chr9:77,332,020, A>G. VCF-style: chr9-77332020-A-G. GRCh37 (hg19) VCF-style: chr9-79946936-A-G.
Other names: c.5885A>G, p.His1962Arg (NM_001018037.2); c.6002A>G, p.His2001Arg (NM_001018038.3, NM_015186.4); short protein forms H1962R, H2001R.
Identifiers: ClinVar variation 5017379 (VCV005017379.1).